The following is an entry in ClinVar:

NM_001144060.2(NHSL1):c.2261C>G (p.Pro754Arg)

Gene: NHSL1 (NHS like 1; minus strand). Cytogenetic location: 6q24.1.
Variant type: single nucleotide variant.
Coding change: c.2261C>G on transcript NM_001144060.2 (MANE Select); coding-DNA position 2261, C replaced by G.
Protein change: p.Pro754Arg; replaces proline 754 with arginine.
Molecular consequence: missense variant.
Genome position (GRCh38, 1-based): chr6:138,432,084, G>C on the plus strand (C>G on the coding strand, the complement: NHSL1 is on the minus strand). VCF-style: chr6-138432084-G-C. GRCh37 (hg19) VCF-style: chr6-138753221-G-C.
Other names: c.2273C>G, p.Pro758Arg (NM_020464.2); short protein forms P754R, P758R.
Identifiers: ClinVar variation 2656944 (VCV002656944.24), dbSNP rs138276881, ClinGen allele CA4022252.

ClinVar aggregate classification (germline): Likely benign (1 of 4 stars; one submission).

Allele frequency attached by ClinVar (database versions not stated): TOPMed 0.00034; 1000 Genomes Project 0.00180; 1000 Genomes Project 30x 0.00203.
gnomAD v4.1: 1,104 of 1,551,654 alleles (0.071%); highest among the groups gnomAD compares: South Asian, 0.81%; 14 homozygotes.

Submission:

CeGaT Center for Human Genetics Tuebingen
Classification: Likely benign. Last evaluated: 2023-03-01. Review status: criteria provided, single submitter. Criteria: CeGaT Center For Human Genetics Tuebingen Variant Classification Criteria Version 2. Collection method: clinical testing. Allele origin: germline. Affected: yes. Observed: 1 variant allele.
Comment: NHSL1: BP4, BS2